The following is an entry in ClinVar:

NM_005732.4(RAD50):c.3071del (p.Thr1023_Leu1024insTer)

Gene: RAD50 (RAD50 double strand break repair protein; plus strand). Cytogenetic location: 5q31.1.
Variant type: Deletion.
Coding change: c.3071del on transcript NM_005732.4 (MANE Select); coding-DNA position 3071, one base deleted (T; older notation c.3071delT).
Protein change: p.Thr1023_Leu1024insTer.
Molecular consequence: nonsense.
Genome position (GRCh38, 1-based): chr5:132,616,037, T deleted; the last of 3 consecutive T bases (chr5:132,616,035-132,616,037); deleting any one gives the same sequence. VCF-style (leftmost placement, unchanged base first): chr5-132616034-CT-C. GRCh37 (hg19) VCF-style: chr5-131951726-CT-C.
Other names: c.3071del (NM_005732.3).
Identifiers: ClinVar variation 574372 (VCV000574372.14), dbSNP rs753950483, ClinGen allele CA3405513.

ClinVar aggregate classification (germline): Pathogenic. Review status: criteria provided, multiple submitters, no conflicts (2 of 4 stars). 3 submissions from 3 submitters: Pathogenic (3). Last evaluated 2025-12-10.

Conditions:
Hereditary cancer-predisposing syndrome. Also called: Neoplastic Syndromes, Hereditary; Hereditary Cancer Syndrome; Tumor predisposition; Hereditary neoplastic syndrome. Identifiers: Orphanet 140162, MedGen C0027672, MeSH D009386, MONDO:0015356.
Nijmegen breakage syndrome-like disorder (NBSLD). Also called: MICROCEPHALY AND SPONTANEOUS CHROMOSOME INSTABILITY WITHOUT IMMUNODEFICIENCY; NBS-LIKE DISORDER; RAD50 DEFICIENCY. Identifiers: Orphanet 240760, MedGen C2751318, MONDO:0013118, OMIM 613078.

Submissions (3):

Labcorp Genetics (formerly Invitae), Labcorp
Classification: Pathogenic for Hereditary cancer-predisposing syndrome. Last evaluated: 2025-12-10. Review status: criteria provided, single submitter. Criteria: Invitae Variant Classification Sherloc (09022015). Collection method: clinical testing. Allele origin: germline.
Comment: This sequence change creates a premature translational stop signal (p.Leu1024*) in the RAD50 gene. It is expected to result in an absent or disrupted protein product. Loss-of-function variants in RAD50 are known to be pathogenic (PMID: 19409520). This variant is present in population databases (rs753950483, gnomAD 0.0009%). This premature translational stop signal has been observed in individual(s) with breast cancer (PMID: 26094658). This variant is also known as p.X1023X/c.3069*>-T. ClinVar contains an entry for this variant (Variation ID: 574372). For these reasons, this variant has been classified as Pathogenic.

Baylor Genetics
Classification: Pathogenic for Nijmegen breakage syndrome-like disorder. Last evaluated: 2023-07-23. Review status: criteria provided, single submitter. Criteria: ACMG Guidelines, 2015. Collection method: clinical testing. Allele origin: unknown.

Ambry Genetics
Classification: Pathogenic for Hereditary cancer-predisposing syndrome. Last evaluated: 2022-11-01. Review status: criteria provided, single submitter. Criteria: Ambry Variant Classification Scheme 2023. Collection method: clinical testing. Allele origin: germline.
Comment: The c.3071delT pathogenic mutation, located in coding exon 20 of the RAD50 gene, results from a deletion of one nucleotide at nucleotide position 3071, causing a translational frameshift with a predicted alternate stop codon (p.L1024*). This alteration is expected to result in loss of function by premature protein truncation or nonsense-mediated mRNA decay. As such, this alteration is interpreted as a disease-causing mutation.

Literature cited by the submitters: PubMed 19409520 (cited by Labcorp Genetics (formerly Invitae), Labcorp); PubMed 26094658 (cited by Labcorp Genetics (formerly Invitae), Labcorp).